The following is an entry in ClinVar:

ClinVar aggregate classification (germline): Conflicting classifications of pathogenicity. Review status: criteria provided, conflicting classifications (1 of 4 stars). 2 submissions from 2 submitters: Uncertain significance (1); Likely benign (1). Last evaluated 2025-12-14.

Allele frequency attached by ClinVar (database versions not stated): ExAC 0.00001; gnomAD exomes 0.00001 and 0.00004; TOPMed 0.00001; gnomAD 0.00002.
gnomAD v4.1: 62 of 1,612,288 alleles (0.0038%); highest among the groups gnomAD compares: Non-Finnish European, 0.0052%; no homozygotes.

Submissions (2):

Labcorp Genetics (formerly Invitae), Labcorp
Classification: Likely benign. Last evaluated: 2025-12-14. Review status: criteria provided, single submitter. Criteria: Invitae Variant Classification Sherloc (09022015). Collection method: clinical testing. Allele origin: germline.

CeGaT Center for Human Genetics Tuebingen
Classification: Uncertain significance. Last evaluated: 2023-08-01. Review status: criteria provided, single submitter. Criteria: CeGaT Center For Human Genetics Tuebingen Variant Classification Criteria Version 2. Collection method: clinical testing. Allele origin: germline. Affected: yes. Observed: 1 variant allele.
Comment: ATP6V1E1: PM2, BP4

NM_001696.4(ATP6V1E1):c.367-4C>T

Gene: ATP6V1E1 (ATPase H+ transporting V1 subunit E1; minus strand). Cytogenetic location: 22q11.21.
Variant type: single nucleotide variant.
Coding change: c.367-4C>T on transcript NM_001696.4 (MANE Select); 4 bases into the intron before coding-DNA position 367, C replaced by T.
Molecular consequence: intron variant.
Genome position (GRCh38, 1-based): chr22:17,600,099, G>A on the plus strand (C>T on the coding strand, the complement: ATP6V1E1 is on the minus strand). VCF-style: chr22-17600099-G-A. GRCh37 (hg19) VCF-style: chr22-18082865-G-A.
Other names: c.301-4C>T (NM_001039366.1); c.277-4C>T (NM_001039367.1).
Identifiers: ClinVar variation 1633160 (VCV001633160.32), dbSNP rs746489312, ClinGen allele CA10090123.